The following is an entry in ClinVar:

ClinVar aggregate classification (germline): Pathogenic (1 of 4 stars; one submission).

Conditions:
Baller-Gerold syndrome (BGS). Also called: CRANIOSYNOSTOSIS WITH RADIAL DEFECTS. Identifiers: Orphanet 1225, MedGen C0265308, MONDO:0009039, OMIM 218600.

Submission:

Labcorp Genetics (formerly Invitae), Labcorp
Classification: Pathogenic for Baller-Gerold syndrome. Last evaluated: 2020-08-05. Review status: criteria provided, single submitter. Criteria: Invitae Variant Classification Sherloc (09022015). Collection method: clinical testing. Allele origin: germline.
Comment: This sequence change affects a donor splice site in intron 7 of the RECQL4 gene. It is expected to disrupt RNA splicing and likely results in an absent or disrupted protein product. Donor and acceptor splice site variants typically lead to a loss of protein function (PMID: 16199547), and loss-of-function variants in RECQL4 are known to be pathogenic (PMID: 12734318, 12952869). For these reasons, this variant has been classified as Pathogenic. Experimental studies have shown that variants at this splice site disrupt mRNA splicing (PMID: 22885111). Disruption of this splice site has been observed in individual(s) with RAPADILINO syndrome (PMID: 12952869). This variant is not present in population databases (ExAC no frequency).

Literature cited by the submitters: PubMed 16199547; PubMed 12734318; PubMed 12952869; PubMed 22885111.

NM_004260.4(RECQL4):c.1390+2T>C

Gene: RECQL4 (RecQ like helicase 4; minus strand). Cytogenetic location: 8q24.3.
Variant type: single nucleotide variant.
Coding change: c.1390+2T>C on transcript NM_004260.4 (MANE Select); the canonical splice donor site of the intron after coding-DNA position 1390, T replaced by C.
Molecular consequence: splice donor variant.
Genome position (GRCh38, 1-based): chr8:144,515,324, A>G on the plus strand (T>C on the coding strand, the complement: RECQL4 is on the minus strand). VCF-style: chr8-144515324-A-G. GRCh37 (hg19) VCF-style: chr8-145740708-A-G.
Other names: c.1261+2T>C (NM_001413025.1); c.1039+2T>C (NM_001413029.1); c.253+2T>C (NM_001413032.1, NM_001413027.1, NM_001413031.1 and 2 more transcripts); c.319+2T>C (NM_001413035.1, NM_001413042.1, NM_001413037.1 and 8 more transcripts); c.1294+2T>C (NM_001413017.1, NM_001413020.1); c.1390+2T>C (NM_001413039.1, NM_001413033.1, NM_001413018.1 and 2 more transcripts); c.-78+2T>C (NM_001413043.1).
Identifiers: ClinVar variation 1074685 (VCV001074685.5), dbSNP rs2130707477, ClinGen allele CA372685212.